The following is an entry in ClinVar:

NM_002230.4(JUP):c.1219G>A (p.Val407Ile)

Gene: JUP (junction plakoglobin; minus strand). Cytogenetic location: 17q21.2.
Variant type: single nucleotide variant.
Coding change: c.1219G>A on transcript NM_002230.4 (MANE Select); coding-DNA position 1219, G replaced by A.
Protein change: p.Val407Ile; replaces valine 407 with isoleucine.
Molecular consequence: missense variant.
Genome position (GRCh38, 1-based): chr17:41,763,261, C>T on the plus strand (G>A on the coding strand, the complement: JUP is on the minus strand). VCF-style: chr17-41763261-C-T. GRCh37 (hg19) VCF-style: chr17-39919513-C-T.
Other names: c.1219G>A, p.Val407Ile (NM_001352773.2, NM_001352774.2, NM_001352775.2 and 3 more transcripts); short protein forms V407I.
Identifiers: ClinVar variation 536625 (VCV000536625.30), dbSNP rs370913228, ClinGen allele CA8565251.

ClinVar aggregate classification (germline): Uncertain significance. Review status: criteria provided, multiple submitters, no conflicts (2 of 4 stars). 8 submissions from 8 submitters: Uncertain significance (5). 3 of the submissions do not count toward it. Last evaluated 2024-12-22.

Conditions:
Cardiovascular phenotype. Identifiers: MedGen CN230736.
Arrhythmogenic right ventricular dysplasia 12. Also called: ARRHYTHMOGENIC RIGHT VENTRICULAR DYSPLASIA, FAMILIAL, 12. Identifiers: MedGen C1969081, MONDO:0012684, OMIM 611528.
Naxos disease (NXD). Also called: WOOLLY HAIR, PALMOPLANTAR KERATODERMA, AND CARDIAC ABNORMALITIES; PALMOPLANTAR KERATODERMA WITH ARRHYTHMOGENIC RIGHT VENTRICULAR CARDIOMYOPATHY AND WOOLLY HAIR; KERATOSIS PALMOPLANTARIS WITH ARRHYTHMOGENIC CARDIOMYOPATHY; MAL DE NAXOS; CARDIOMYOPATHY, ARRHYTHMOGENIC RIGHT VENTRICULAR, WITH SKIN, HAIR, AND NAIL ABNORMALITIES. Identifiers: Orphanet 34217, MedGen C1832600, MONDO:0011017, OMIM 601214.

Allele frequency attached by ClinVar (database versions not stated): ExAC 0.00002; gnomAD exomes 0.00002 and 0.00003; gnomAD 0.00003 and 0.00004; TOPMed 0.00007; ESP Exome Variant Server 0.00008.
gnomAD v4.1: 56 of 1,614,030 alleles (0.0035%); highest among the groups gnomAD compares: Non-Finnish European, 0.0037%; no homozygotes.

Submissions (8):

Labcorp Genetics (formerly Invitae), Labcorp
Classification: Uncertain significance for Arrhythmogenic right ventricular dysplasia 12; Naxos disease. Last evaluated: 2024-12-22. Review status: criteria provided, single submitter. Criteria: Invitae Variant Classification Sherloc (09022015). Collection method: clinical testing. Allele origin: germline.
Comment: This sequence change replaces valine, which is neutral and non-polar, with isoleucine, which is neutral and non-polar, at codon 407 of the JUP protein (p.Val407Ile). This variant is present in population databases (rs370913228, gnomAD 0.007%). This missense change has been observed in individual(s) with arrhythmogenic right ventricular cardiomyopathy (PMID: 20864495). ClinVar contains an entry for this variant (Variation ID: 536625). An algorithm developed to predict the effect of missense changes on protein structure and function (PolyPhen-2) suggests that this variant¬¨‚Ä†is likely to be tolerated. In summary, the available evidence is currently insufficient to determine the role of this variant in disease. Therefore, it has been classified as a Variant of Uncertain Significance.

Ambry Genetics
Classification: Uncertain significance for Cardiovascular phenotype. Last evaluated: 2023-04-14. Review status: criteria provided, single submitter. Criteria: Ambry Variant Classification Scheme 2023. Collection method: clinical testing. Allele origin: germline.
Comment: The p.V407I variant (also known as c.1219G>A), located in coding exon 7 of the JUP gene, results from a G to A substitution at nucleotide position 1219. The valine at codon 407 is replaced by isoleucine, an amino acid with highly similar properties. This variant was detected in an arrhythmogenic right ventricular cardiomyopathy (ARVC) case (Christensen AH et al, 2010 Nov;47:736-44). This variant has also been seen in exome, sudden unexplained death, and dilated cardiomyopathy cohorts, but clinical details were limited (Andreasen C et al, 2013 Sep;21:918-28; Santori M et al, 2015 Oct;100:952-6; Haggerty CM et al, 2017 11;19:1245-1252; Verdonschot JAJ et al. Circ Genom Precis Med. 2020 Oct;13(5):476-487). This amino acid position is well conserved in available vertebrate species. In addition, the in silico prediction for this alteration is inconclusive. Since supporting evidence is limited at this time, the clinical significance of this alteration remains unclear.

Blueprint Genetics
Classification: Uncertain significance. Last evaluated: 2022-06-23. Review status: criteria provided, single submitter. Criteria: ACMG Guidelines, 2015. Collection method: clinical testing. Allele origin: germline.

Women's Health and Genetics/Laboratory Corporation of America, LabCorp
Classification: Uncertain significance. Last evaluated: 2021-05-03. Review status: criteria provided, single submitter. Criteria: LabCorp Variant Classification Summary - May 2015. Collection method: clinical testing. Allele origin: germline.
Comment: Variant summary: JUP c.1219G>A (p.Val407Ile) results in a conservative amino acid change located in the Armadillo repeat domain (IPR000225) of the encoded protein sequence. Four of five in-silico tools predict a benign effect of the variant on protein function. The variant allele was found at a frequency of 2e-05 in 251350 control chromosomes (gnomAD). The available data on variant occurrences in the general population are insufficient to allow any conclusion about variant significance. c.1219G>A has been reported in the literature in individuals affected with Arrhythmogenic Right Ventricular Dysplasia (ARVD), sudden unexplained death, dilated cardiomyopathy and in individuals who underwent exome sequencing (Christensen_2010, Santori_2015, Haggerty_2017, Verdonschot_2020). These reports however, do not provide unequivocal conclusions about association of the variant with Arrhythmogenic Right Ventricular Dysplasia/Cardiomyopathy. To our knowledge, no experimental evidence demonstrating an impact on protein function has been reported. Two ClinVar submitters (evaluation after 2014) cite the variant as uncertain significance. Based on the evidence outlined above, the variant was classified as uncertain significance.

Center for Genomics, Ann and Robert H. Lurie Children's Hospital of Chicago
Classification: Uncertain significance for Naxos disease; Arrhythmogenic right ventricular dysplasia 12. Review status: criteria provided, single submitter. Criteria: ACMG Guidelines, 2015. Collection method: clinical testing. Allele origin: germline.
Comment: JUP NM_002230.2 exon 8 p.Val407Ile (c.1219G>A): This variant has been reported in the literature in one individual with Arrhythmogenic Right Ventricular Cardiomyopathy (ARVC) (Christensen 2010 PMID:20864495). This variant is present in 1/15304 African alleles in the Genome Aggregation Database and is present in ClinVar (Variation ID:536625). Evolutionary conservation and computational predictive tools for this variant are unclear. In summary, data on this variant is insufficient for disease classification. Therefore, the clinical significance of this variant is uncertain.

Clinical Genetics DNA and cytogenetics Diagnostics Lab, Erasmus MC, Erasmus Medical Center
Classification: Uncertain significance. Review status: no assertion criteria provided. Collection method: clinical testing. Allele origin: germline. Affected: yes. Study: VKGL Data-share Consensus. Not counted in ClinVar's aggregate classification.

Diagnostic Laboratory, Department of Genetics, University Medical Center Groningen
Classification: Uncertain significance. Review status: no assertion criteria provided. Collection method: clinical testing. Allele origin: germline. Affected: yes. Study: VKGL Data-share Consensus. Not counted in ClinVar's aggregate classification.

Joint Genome Diagnostic Labs from Nijmegen and Maastricht, Radboudumc and MUMC+
Classification: Uncertain significance. Review status: no assertion criteria provided. Collection method: clinical testing. Allele origin: germline. Affected: yes. Study: VKGL Data-share Consensus. Not counted in ClinVar's aggregate classification.

Literature cited by the submitters: PubMed 20864495 (cited by 3 submitters); PubMed 23299917 (cited by Ambry Genetics); PubMed 26272908 (cited by Ambry Genetics and Women's Health and Genetics/Laboratory Corporation of America, LabCorp); PubMed 28471438 (cited by Ambry Genetics and Women's Health and Genetics/Laboratory Corporation of America, LabCorp); PubMed 31402444 (cited by Ambry Genetics and Women's Health and Genetics/Laboratory Corporation of America, LabCorp); PubMed 32880476 (cited by Ambry Genetics and Women's Health and Genetics/Laboratory Corporation of America, LabCorp).